The following is an entry in ClinVar:

NM_007294.4(BRCA1):c.13G>C (p.Ala5Pro)

Gene: BRCA1 (BRCA1 DNA repair associated; minus strand). Cytogenetic location: 17q21.31.
Variant type: single nucleotide variant.
Coding change: c.13G>C on transcript NM_007294.4 (MANE Select); coding-DNA position 13, G replaced by C.
Protein change: p.Ala5Pro; replaces alanine 5 with proline.
Molecular consequence: missense variant. On other transcripts: 5 prime UTR variant (1), non-coding transcript variant (1).
Genome position (GRCh38, 1-based): chr17:43,124,084, C>G on the plus strand (G>C on the coding strand, the complement: BRCA1 is on the minus strand). VCF-style: chr17-43124084-C-G. GRCh37 (hg19) VCF-style: chr17-41276101-C-G.
Other names: c.-176G>C (NM_001408502.1, NM_001408506.1, NM_001408507.1 and 46 more transcripts); c.-248G>C (NM_001408503.1, NM_001408504.1, NM_001407725.1 and 22 more transcripts); c.-295G>C (NM_001408513.1, NM_001407917.1, NM_001407954.1); c.-75G>C (NM_007297.4, NM_001407698.1, NM_001407732.1 and 23 more transcripts); c.13G>C, p.Ala5Pro (NM_007298.4, NM_007299.4, NM_007300.4 and 193 more transcripts); c.-245G>C (NM_001407694.1, NM_001407724.1, NM_001407727.1 and 11 more transcripts); c.-249G>C (NM_001407695.1, NM_001408465.1); c.-390G>C (NM_001407696.1); and 8 more; short protein forms A5P.
Identifiers: ClinVar variation 819110 (VCV000819110.7), dbSNP rs1597923713, ClinGen allele CA10602134.

ClinVar aggregate classification (germline): Uncertain significance (1 of 4 stars; one submission).

Conditions:
Hereditary cancer-predisposing syndrome. Also called: Hereditary Cancer Syndrome; Hereditary neoplastic syndrome; Neoplastic Syndromes, Hereditary; Tumor predisposition. Identifiers: Orphanet 140162, MedGen C0027672, MeSH D009386, MONDO:0015356.

Submissions (2):

Ambry Genetics
Classification: Uncertain significance for Hereditary cancer-predisposing syndrome. Last evaluated: 2018-03-14. Review status: criteria provided, single submitter. Criteria: Ambry Variant Classification Scheme 2023. Collection method: clinical testing. Allele origin: germline.
Comment: The p.A5P variant (also known as c.13G>C), located in coding exon 1 of the BRCA1 gene, results from a G to C substitution at nucleotide position 13. The alanine at codon 5 is replaced by proline, an amino acid with highly similar properties. This amino acid position is not well conserved in available vertebrate species. In addition, the in silico prediction for this alteration is inconclusive. Since supporting evidence is limited at this time, the clinical significance of this alteration remains unclear.

Brotman Baty Institute, University of Washington
No classification provided (evidence only). Condition: Breast-ovarian cancer, familial 1. Review status: no classification provided. Collection method: in vitro. Allele origin: not applicable. Functional consequence: function_uncertain_variant. Not counted in ClinVar's aggregate classification.
ClinVar note: "not provided" was previously submitted as the classification for the variant. However, the classification appeared to be based only on an observation of functional data so it was converted to no classification on 2025-07-30.